The following is an entry in ClinVar:

NM_025216.3(WNT10A):c.152C>T (p.Pro51Leu)

Gene: WNT10A (Wnt family member 10A; plus strand). Cytogenetic location: 2q35.
Variant type: single nucleotide variant.
Coding change: c.152C>T on transcript NM_025216.3 (MANE Select); coding-DNA position 152, C replaced by T.
Protein change: p.Pro51Leu; replaces proline 51 with leucine.
Molecular consequence: missense variant.
Genome position (GRCh38, 1-based): chr2:218,882,199, C>T. VCF-style: chr2-218882199-C-T. GRCh37 (hg19) VCF-style: chr2-219746921-C-T.
Other names: c.152C>T (NM_025216.2); short protein forms P51L.
Identifiers: ClinVar variation 2050234 (VCV002050234.3), dbSNP rs372538189, ClinGen allele CA2113846.

ClinVar aggregate classification (germline): Uncertain significance. Review status: criteria provided, multiple submitters, no conflicts (2 of 4 stars). 2 submissions from 2 submitters: Uncertain significance (2). Last evaluated 2025-10-07.

Conditions:
Odonto-onycho-dermal dysplasia. Identifiers: Orphanet 2721, MedGen C0796093, MONDO:0009773, OMIM 257980.
Tooth agenesis, selective, 4 (STHAG4). Also called: LATERAL INCISORS, ABSENCE OF; LATERAL INCISORS, PEGGED OR MISSING; SUCCEDANEOUS TEETH, AGENESIS OF; TOOTH AGENESIS, SELECTIVE, 4, WITH OR WITHOUT ECTODERMAL DYSPLASIA. Identifiers: Orphanet 99798, MedGen C1835492, MONDO:0007881, OMIM 150400. Disease mechanism: loss of function.
Inborn genetic diseases. Identifiers: MedGen C0950123, MeSH D030342.

gnomAD v4.1: 52 of 1,614,040 alleles (0.0032%); highest among the groups gnomAD compares: African/African-American, 0.02%; no homozygotes.

Submissions (2):

Labcorp Genetics (formerly Invitae), Labcorp
Classification: Uncertain significance for Tooth agenesis, selective, 4; Odonto-onycho-dermal dysplasia. Last evaluated: 2025-10-07. Review status: criteria provided, single submitter. Criteria: Invitae Variant Classification Sherloc (09022015). Collection method: clinical testing. Allele origin: germline.
Comment: This sequence change replaces proline, which is neutral and non-polar, with leucine, which is neutral and non-polar, at codon 51 of the WNT10A protein (p.Pro51Leu). This variant is present in population databases (rs372538189, gnomAD 0.008%). This variant has not been reported in the literature in individuals affected with WNT10A-related conditions. ClinVar contains an entry for this variant (Variation ID: 2050234). Invitae Evidence Modeling of protein sequence and biophysical properties (such as structural, functional, and spatial information, amino acid conservation, physicochemical variation, residue mobility, and thermodynamic stability) indicates that this missense variant is not expected to disrupt WNT10A protein function with a negative predictive value of 95%. In summary, the available evidence is currently insufficient to determine the role of this variant in disease. Therefore, it has been classified as a Variant of Uncertain Significance.

Ambry Genetics
Classification: Uncertain significance for Inborn genetic diseases. Last evaluated: 2024-07-31. Review status: criteria provided, single submitter. Criteria: Ambry Variant Classification Scheme 2023. Collection method: clinical testing. Allele origin: germline.